The following is an entry in ClinVar:

ClinVar aggregate classification (germline): Benign. Review status: criteria provided, multiple submitters, no conflicts (2 of 4 stars). 4 submissions from 4 submitters: Benign (4). Last evaluated 2026-02-04.

Conditions:
Xeroderma pigmentosum, group C (XPC). Also called: XPC-Related Xeroderma Pigmentosum; Xeroderma pigmentosum, complementation group C; XERODERMA PIGMENTOSUM III; XP, GROUP C. Identifiers: Orphanet 910, MedGen C2752147, MONDO:0010211, OMIM 278720.

Allele frequency attached by ClinVar (database versions not stated): ExAC 0.00393; 1000 Genomes Project 0.00439; gnomAD 0.00140 and 0.00095; gnomAD exomes 0.00218 and 0.00346; 1000 Genomes Project 30x 0.00390; ESP Exome Variant Server 0.00108; TOPMed 0.00111.
gnomAD v4.1: 3,406 of 1,610,506 alleles (0.21%); highest among the groups gnomAD compares: South Asian, 1.8%; 42 homozygotes.

Submissions (4):

Labcorp Genetics (formerly Invitae), Labcorp
Classification: Benign. Last evaluated: 2026-02-04. Review status: criteria provided, single submitter. Criteria: Invitae Variant Classification Sherloc (09022015). Collection method: clinical testing. Allele origin: germline.

Genome-Nilou Lab
Classification: Benign for Xeroderma pigmentosum, group C. Last evaluated: 2021-12-05. Review status: criteria provided, single submitter. Criteria: ACMG Guidelines, 2015. Collection method: clinical testing. Allele origin: germline. Affected: no.

Illumina Laboratory Services, Illumina
Classification: Benign for Xeroderma pigmentosum, group C. Last evaluated: 2017-04-27. Review status: criteria provided, single submitter. Criteria: ICSL Variant Classification Criteria 13 December 2019. Collection method: clinical testing. Allele origin: germline.
Comment: This variant was observed as part of a predisposition screen in an ostensibly healthy population. A literature search was performed for the gene, cDNA change, and amino acid change (where applicable). Publications were found based on this search. The evidence from the literature, in combination with allele frequency data from public databases where available, was sufficient to rule this variant out of causing disease. Therefore, this variant is classified as benign.

Breakthrough Genomics
Classification: Benign. Review status: criteria provided, single submitter. Criteria: ACMG Guidelines, 2015. Collection method: not provided. Allele origin: germline. Inheritance: Autosomal recessive inheritance. Affected: yes.

Literature cited by the submitters: PubMed 10766188 (cited by Illumina Laboratory Services, Illumina).

NM_004628.5(XPC):c.303C>T (p.Asp101=)

Gene: XPC (XPC complex subunit, DNA damage recognition and repair factor; minus strand). Cytogenetic location: 3p25.1.
Variant type: single nucleotide variant.
Coding change: c.303C>T on transcript NM_004628.5 (MANE Select); coding-DNA position 303, C replaced by T.
Protein change: p.Asp101=; no amino-acid change (aspartic acid 101 retained).
Molecular consequence: synonymous variant. On other transcripts: 5 prime UTR variant (1), non-coding transcript variant (2).
Genome position (GRCh38, 1-based): chr3:14,170,547, G>A on the plus strand (C>T on the coding strand, the complement: XPC is on the minus strand). VCF-style: chr3-14170547-G-A. GRCh37 (hg19) VCF-style: chr3-14212047-G-A.
Other names: c.-153C>T (NM_001354726.2); c.303C>T, p.Asp101= (NM_001354727.2, NM_001354730.2); c.285C>T, p.Asp95= (NM_001354729.2).
Identifiers: ClinVar variation 695695 (VCV000695695.18), dbSNP rs41545713, ClinGen allele CA2267747.